The following is an entry in ClinVar:

NM_006231.4(POLE):c.6145A>G (p.Thr2049Ala)

Gene: POLE (DNA polymerase epsilon, catalytic subunit; minus strand). Cytogenetic location: 12q24.33.
Variant type: single nucleotide variant.
Coding change: c.6145A>G on transcript NM_006231.4 (MANE Select); coding-DNA position 6145, A replaced by G.
Protein change: p.Thr2049Ala; replaces threonine 2049 with alanine.
Molecular consequence: missense variant.
Genome position (GRCh38, 1-based): chr12:132,632,500, T>C on the plus strand (A>G on the coding strand, the complement: POLE is on the minus strand). VCF-style: chr12-132632500-T-C. GRCh37 (hg19) VCF-style: chr12-133209086-T-C.
Other names: short protein forms T2049A.
Identifiers: ClinVar variation 658619 (VCV000658619.8), dbSNP rs1593708241, ClinGen allele CA387370062.

ClinVar aggregate classification (germline): Uncertain significance (1 of 4 stars; one submission).

Submission:

Labcorp Genetics (formerly Invitae), Labcorp
Classification: Uncertain significance. Last evaluated: 2018-10-19. Review status: criteria provided, single submitter. Criteria: Invitae Variant Classification Sherloc (09022015). Collection method: clinical testing. Allele origin: germline.
Comment: In summary, the available evidence is currently insufficient to determine the role of this variant in disease. Therefore, it has been classified as a Variant of Uncertain Significance. Algorithms developed to predict the effect of missense changes on protein structure and function (SIFT, PolyPhen-2, Align-GVGD) all suggest that this variant is likely to be tolerated, but these predictions have not been confirmed by published functional studies and their clinical significance is uncertain. This variant has not been reported in the literature in individuals with POLE-related disease. This variant is not present in population databases (ExAC no frequency). This sequence change replaces threonine with alanine at codon 2049 of the POLE protein (p.Thr2049Ala). The threonine residue is moderately conserved and there is a small physicochemical difference between threonine and alanine.